The following is an entry in ClinVar:

NM_014946.4(SPAST):c.1077T>C (p.Ile359=)

Gene: SPAST (spastin; plus strand). Cytogenetic location: 2p22.3.
Variant type: single nucleotide variant.
Coding change: c.1077T>C on transcript NM_014946.4 (MANE Select); coding-DNA position 1077, T replaced by C.
Protein change: p.Ile359=; no amino-acid change (isoleucine 359 retained).
Molecular consequence: synonymous variant.
Genome position (GRCh38, 1-based): chr2:32,116,191, T>C. VCF-style: chr2-32116191-T-C. GRCh37 (hg19) VCF-style: chr2-32341260-T-C.
Other names: c.1074T>C, p.Ile358= (NM_001363823.2); c.978T>C, p.Ile326= (NM_001363875.2); c.981T>C, p.Ile327= (NM_001377959.1, NM_199436.2).
Identifiers: ClinVar variation 512772 (VCV000512772.10), dbSNP rs570106557, ClinGen allele CA1600785.

ClinVar aggregate classification (germline): Benign/Likely benign. Review status: criteria provided, multiple submitters, no conflicts (2 of 4 stars). 3 submissions from 3 submitters: Benign (1); Likely benign (2). Last evaluated 2024-10-12.

Conditions:
Hereditary spastic paraplegia 4. Also called: Spastic paraplegia 4, autosomal dominant; Spastic Paraplegia 4; Familial spastic paraplegia autosomal dominant 2. Identifiers: Orphanet 100985, MedGen C1866855, MONDO:0008438, OMIM 182601.

Allele frequency attached by ClinVar (database versions not stated): gnomAD 0.00002 and 0.00006; TOPMed 0.00003; 1000 Genomes Project 30x 0.00016; ExAC 0.00017; gnomAD exomes 0.00019; 1000 Genomes Project 0.00020.
gnomAD v4.1: 149 of 1,612,792 alleles (0.0092%); highest among the groups gnomAD compares: South Asian, 0.11%; 3 homozygotes.

Submissions (3):

Labcorp Genetics (formerly Invitae), Labcorp
Classification: Benign for Hereditary spastic paraplegia 4. Last evaluated: 2024-10-12. Review status: criteria provided, single submitter. Criteria: Invitae Variant Classification Sherloc (09022015). Collection method: clinical testing. Allele origin: germline.

GeneDx
Classification: Likely benign. Last evaluated: 2021-10-05. Review status: criteria provided, single submitter. Criteria: GeneDx Variant Classification Process June 2021. Collection method: clinical testing. Allele origin: germline. Affected: yes.

Illumina Laboratory Services, Illumina
Classification: Likely benign for Hereditary spastic paraplegia 4. Last evaluated: 2018-01-13. Review status: criteria provided, single submitter. Criteria: ICSL Variant Classification Criteria 13 December 2019. Collection method: clinical testing. Allele origin: germline.
Comment: This variant was observed in the ICSL laboratory as part of a predisposition screen in an ostensibly healthy population. It had not been previously curated by ICSL or reported in the Human Gene Mutation Database (HGMD: prior to June 1st, 2018), and was therefore a candidate for classification through an automated scoring system. Utilizing variant allele frequency, disease prevalence and penetrance estimates, and inheritance mode, an automated score was calculated to assess if this variant is too frequent to cause the disease. Based on the score and internal cut-off values, a variant classified as likely benign is not then subjected to further curation. The score for this variant resulted in a classification of likely benign for this disease.